The following is an entry in ClinVar:

ClinVar aggregate classification (germline): Uncertain significance (1 of 4 stars; one submission).

gnomAD v4.1: 19 of 1,614,094 alleles (0.0012%); highest among the groups gnomAD compares: Non-Finnish European, 0.0014%; no homozygotes.

Submission:

GeneDx
Classification: Uncertain significance. Last evaluated: 2024-08-19. Review status: criteria provided, single submitter. Criteria: GeneDx Variant Classification Process June 2021. Collection method: clinical testing. Allele origin: germline. Affected: yes.
Comment: Not observed at significant frequency in large population cohorts (gnomAD); In silico analysis supports a deleterious effect on splicing; In silico analysis supports that this missense variant has a deleterious effect on protein structure/function; Has not been previously published as pathogenic or benign to our knowledge; This variant is associated with the following publications: (PMID: 25471517)

NM_005051.3(QARS1):c.1288G>T (p.Asp430Tyr)

Gene: QARS1 (glutaminyl-tRNA synthetase 1; minus strand). Cytogenetic location: 3p21.31.
Variant type: single nucleotide variant.
Coding change: c.1288G>T on transcript NM_005051.3 (MANE Select); coding-DNA position 1288, G replaced by T.
Protein change: p.Asp430Tyr; replaces aspartic acid 430 with tyrosine.
Molecular consequence: missense variant. On other transcripts: non-coding transcript variant (1).
Genome position (GRCh38, 1-based): chr3:49,099,968, C>A on the plus strand (G>T on the coding strand, the complement: QARS1 is on the minus strand). VCF-style: chr3-49099968-C-A. GRCh37 (hg19) VCF-style: chr3-49137401-C-A.
Other names: c.1255G>T, p.Asp419Tyr (NM_001272073.2); short protein forms D419Y, D430Y.
Identifiers: ClinVar variation 3764343 (VCV003764343.1).
Genomic context (GRCh38, chr3:49,099,968, plus strand): 5'-TGGCCCATCGCCCTGCTCGGCAGCCCCACCACCCCACCCCATTCTACACCCACCATTTGT[C>A]CCCTGTGCGGTGGTGTGGTGTATACTTGACTCGATAGGCTACAGGGTCCATCTTGCCATC-3'
Protein context (NP_005042.1, residues 420-440): VKYTPHHRTG[Asp430Tyr]KWCIYPTYDY